The following is an entry in ClinVar:

ClinVar aggregate classification (germline): Uncertain significance (1 of 4 stars; one submission).

Conditions:
Marfan syndrome (MFS). Also called: MARFAN SYNDROME, TYPE I; Marfan syndrome type 1; Marfan's syndrome; Marfan syndrome, classic; FBN1-Related Marfan Syndrome. Identifiers: Orphanet 284963, Orphanet 558, MedGen C0024796, MONDO:0007947, OMIM 154700.

Submission:

All of Us Research Program, National Institutes of Health
Classification: Uncertain significance for Marfan syndrome. Last evaluated: 2024-02-05. Review status: criteria provided, single submitter. Criteria: ACMG Guidelines, 2015. Collection method: clinical testing. Allele origin: germline. Inheritance: Autosomal dominant inheritance. Observed: 1 variant allele, 1 heterozygote.
Comment: This missense variant replaces aspartic acid with asparagine at codon 2329 of the FBN1 protein. Computational prediction suggests that this variant may not impact protein structure and function (internally defined REVEL score threshold <= 0.5, PMID: 27666373). To our knowledge, functional studies have not been reported for this variant. This variant has not been reported in individuals affected with FBN1-related disorders in the literature. This variant has not been identified in the general population by the Genome Aggregation Database (gnomAD). The available evidence is insufficient to determine the role of this variant in disease conclusively. Therefore, this variant is classified as a Variant of Uncertain Significance.

This study involves interpretation of variants in research participants for the purpose of population health screening. Participant phenotype was not available at the time of variant classification. Additional details can be found in publication PMID: 35346344, PMCID: PMC8962531

NM_000138.5(FBN1):c.6985G>A (p.Asp2329Asn)

Gene: FBN1 (fibrillin 1; minus strand). Cytogenetic location: 15q21.1.
Variant type: single nucleotide variant.
Coding change: c.6985G>A on transcript NM_000138.5 (MANE Select); coding-DNA position 6985, G replaced by A.
Protein change: p.Asp2329Asn; replaces aspartic acid 2329 with asparagine.
Molecular consequence: missense variant.
Genome position (GRCh38, 1-based): chr15:48,428,358, C>T on the plus strand (G>A on the coding strand, the complement: FBN1 is on the minus strand). VCF-style: chr15-48428358-C-T. GRCh37 (hg19) VCF-style: chr15-48720555-C-T.
Other names: c.6985G>A, p.Asp2329Asn (NM_001406716.1); short protein forms D2329N.
Identifiers: ClinVar variation 3075457 (VCV003075457.1), dbSNP rs2505414972, ClinGen allele CA392330457.